The following is an entry in ClinVar:

ClinVar aggregate classification (germline): Uncertain significance (1 of 4 stars; one submission).

Conditions:
Familial cold autoinflammatory syndrome 2 (FCAS2). Identifiers: Orphanet 247868, MedGen C2673198, MONDO:0012724, OMIM 611762.

Submission:

Labcorp Genetics (formerly Invitae), Labcorp
Classification: Uncertain significance for Familial cold autoinflammatory syndrome 2. Last evaluated: 2024-07-01. Review status: criteria provided, single submitter. Criteria: Invitae Variant Classification Sherloc (09022015). Collection method: clinical testing. Allele origin: germline.
Comment: This sequence change replaces glutamic acid, which is acidic and polar, with aspartic acid, which is acidic and polar, at codon 281 of the NLRP12 protein (p.Glu281Asp). This variant is not present in population databases (gnomAD no frequency). This variant has not been reported in the literature in individuals affected with NLRP12-related conditions. ClinVar contains an entry for this variant (Variation ID: 1966881). Advanced modeling of protein sequence and biophysical properties (such as structural, functional, and spatial information, amino acid conservation, physicochemical variation, residue mobility, and thermodynamic stability) performed at Invitae indicates that this missense variant is not expected to disrupt NLRP12 protein function with a negative predictive value of 80%. In summary, the available evidence is currently insufficient to determine the role of this variant in disease. Therefore, it has been classified as a Variant of Uncertain Significance.

NM_144687.4(NLRP12):c.843G>T (p.Glu281Asp)

Gene: NLRP12 (NLR family pyrin domain containing 12; minus strand). Cytogenetic location: 19q13.42.
Variant type: single nucleotide variant.
Coding change: c.843G>T on transcript NM_144687.4 (MANE Select); coding-DNA position 843, G replaced by T.
Protein change: p.Glu281Asp; replaces glutamic acid 281 with aspartic acid.
Molecular consequence: missense variant.
Genome position (GRCh38, 1-based): chr19:53,810,816, C>A on the plus strand (G>T on the coding strand, the complement: NLRP12 is on the minus strand). VCF-style: chr19-53810816-C-A. GRCh37 (hg19) VCF-style: chr19-54314070-C-A.
Other names: c.843G>T, p.Glu281Asp (NM_001277126.2, NM_001277129.1); short protein forms E281D.
Identifiers: ClinVar variation 1966881 (VCV001966881.5), dbSNP rs2092058829, ClinGen allele CA407415675.
Genomic context (GRCh38, chr19:53,810,816, plus strand): 5'-AGGCTTGAGCTCATCGAAGCCGTCGATGATGAAAAGGAGGCGCTCGGGAACTCGGATGAG[C>A]TCCTGGAGAGGCGCGCTGGGCTCAGGCCAGCAGCTGAAGATGAGGTCTTGCATGCTGCAT-3'
Protein context (NP_653288.1, residues 271-291): CWPEPSAPLQ[Glu281Asp]LIRVPERLLF